The following is an entry in ClinVar:

NM_003119.4(SPG7):c.1627C>G (p.Leu543Val)

Gene: SPG7 (SPG7 matrix AAA peptidase subunit, paraplegin; plus strand). Cytogenetic location: 16q24.3.
Variant type: single nucleotide variant.
Coding change: c.1627C>G on transcript NM_003119.4 (MANE Select); coding-DNA position 1627, C replaced by G.
Protein change: p.Leu543Val; replaces leucine 543 with valine.
Molecular consequence: missense variant.
Genome position (GRCh38, 1-based): chr16:89,548,077, C>G. VCF-style: chr16-89548077-C-G. GRCh37 (hg19) VCF-style: chr16-89614485-C-G.
Other names: c.1627C>G, p.Leu543Val (NM_001363850.1); short protein forms L543V.
Identifiers: ClinVar variation 4748358 (VCV004748358.3).

ClinVar aggregate classification (germline): Uncertain significance. Review status: criteria provided, multiple submitters, no conflicts (2 of 4 stars). 2 submissions from 2 submitters: Uncertain significance (2). Last evaluated 2026-06-01.

Conditions:
Hereditary spastic paraplegia 7 (SPG7). Also called: SPG7-related neurologic disorder; Spastic paraplegia 7; Hereditary spastic paraplegia Paraplegin type; SPASTIC PARAPLEGIA 7, AUTOSOMAL RECESSIVE, WITH OR WITHOUT CEREBELLAR ATAXIA; Autosomal recessive spastic paraplegia type 7. Identifiers: Orphanet 99013, MedGen C1846564, MONDO:0011803, OMIM 607259.

gnomAD v4.1: 6 of 1,609,848 alleles (0.00037%); highest among the groups gnomAD compares: Admixed American, 0.0083%; no homozygotes.

Submissions (2):

CeGaT Center for Human Genetics Tuebingen
Classification: Uncertain significance. Last evaluated: 2026-06-01. Review status: criteria provided, single submitter. Criteria: CeGaT Center For Human Genetics Tuebingen Variant Classification Criteria Version 2. Collection method: clinical testing. Allele origin: germline. Affected: yes. Observed: 1 variant allele.
Comment: SPG7: PM2

Labcorp Genetics (formerly Invitae), Labcorp
Classification: Uncertain significance for Hereditary spastic paraplegia 7. Last evaluated: 2025-09-24. Review status: criteria provided, single submitter. Criteria: Invitae Variant Classification Sherloc (09022015). Collection method: clinical testing. Allele origin: germline.
Comment: This sequence change replaces leucine, which is neutral and non-polar, with valine, which is neutral and non-polar, at codon 543 of the SPG7 protein (p.Leu543Val). This variant is not present in population databases (gnomAD no frequency). This variant has not been reported in the literature in individuals affected with SPG7-related conditions. Invitae Evidence Modeling of protein sequence and biophysical properties (such as structural, functional, and spatial information, amino acid conservation, physicochemical variation, residue mobility, and thermodynamic stability) indicates that this missense variant is not expected to disrupt SPG7 protein function with a negative predictive value of 80%. In summary, the available evidence is currently insufficient to determine the role of this variant in disease. Therefore, it has been classified as a Variant of Uncertain Significance.